The following is an entry in ClinVar:

ClinVar aggregate classification (germline): Likely benign (0 of 4 stars; one submission).

Conditions:
PLXNA1-related disorder. Also called: PLXNA1-related condition.

Allele frequency attached by ClinVar (database versions not stated): gnomAD exomes 0.00001; gnomAD 0.00005; TOPMed 0.00011.
gnomAD v4.1: 11 of 1,610,290 alleles (0.00068%); highest among the groups gnomAD compares: African/African-American, 0.0067%; no homozygotes.

Submission:

PreventionGenetics, part of Exact Sciences
Classification: Likely benign for PLXNA1-related condition. Last evaluated: 2022-01-18. Review status: no assertion criteria provided. Collection method: clinical testing. Allele origin: germline.
Comment: This variant is classified as likely benign based on ACMG/AMP sequence variant interpretation guidelines (Richards et al. 2015 PMID: 25741868, with internal and published modifications).

NM_032242.4(PLXNA1):c.1704G>A (p.Val568=)

Gene: PLXNA1 (plexin A1; plus strand). Cytogenetic location: 3q21.3.
Variant type: single nucleotide variant.
Coding change: c.1704G>A on transcript NM_032242.4 (MANE Select); coding-DNA position 1704, G replaced by A.
Protein change: p.Val568=; no amino-acid change (valine 568 retained).
Molecular consequence: synonymous variant.
Genome position (GRCh38, 1-based): chr3:127,004,969, G>A. VCF-style: chr3-127004969-G-A. GRCh37 (hg19) VCF-style: chr3-126723812-G-A.
Identifiers: ClinVar variation 3053954 (VCV003053954.2), dbSNP rs993951099, ClinGen allele CA83296031.
Genomic context (GRCh38, chr3:127,004,969, plus strand): 5'-GCGAGCAGACGAGCCCCAGCGCTTTGCTGCGGACCTGCTGCAGTGTGTGCAGCTGACTGT[G>A]CAGCCCCGCAATGTGTCTGTCACCATGTCCCAGGTCCCAGTAAGTGTGGCACCCCAGGTG-3'
Protein context (NP_115618.3, residues 558-578): ADLLQCVQLT[Val568=]QPRNVSVTMS